The following is an entry in ClinVar:

NM_000016.6(ACADM):c.387+1G>A

Gene: ACADM (acyl-CoA dehydrogenase medium chain; plus strand). Cytogenetic location: 1p31.1.
Variant type: single nucleotide variant.
Coding change: c.387+1G>A on transcript NM_000016.6 (MANE Select); the canonical splice donor site of the intron after coding-DNA position 387, G replaced by A.
Molecular consequence: splice donor variant. On other transcripts: intron variant (1).
Genome position (GRCh38, 1-based): chr1:75,733,629, G>A. VCF-style: chr1-75733629-G-A. GRCh37 (hg19) VCF-style: chr1-76199314-G-A.
Other names: c.399+1G>A (NM_001127328.3); c.486+1G>A (NM_001286043.2); c.279+1G>A (NM_001286042.2); c.-100+707G>A (NM_001286044.2).
Identifiers: ClinVar variation 371544 (VCV000371544.12), dbSNP rs1057516983, ClinGen allele CA16040777.

ClinVar aggregate classification (germline): Pathogenic. Review status: criteria provided, multiple submitters, no conflicts (2 of 4 stars). 5 submissions from 5 submitters: Pathogenic (4). 1 of the submissions does not count toward it. Last evaluated 2025-10-01.

Conditions:
Medium-chain acyl-coenzyme A dehydrogenase deficiency (ACADMD). Also called: MCADD; CARNITINE DEFICIENCY SECONDARY TO MEDIUM-CHAIN ACYL-CoA DEHYDROGENASE DEFICIENCY; ACADM DEFICIENCY; MCADH DEFICIENCY; Medium chain acyl-CoA dehydrogenase deficiency; MCAD Deficiency. Identifiers: Orphanet 42, MedGen C0220710, MONDO:0008721, OMIM 201450.

Submissions (5):

Natera, Inc.
Classification: Pathogenic for Medium Chain Acyl-CoA Dehydrogenase Deficiency. Last evaluated: 2025-10-01. Review status: criteria provided, single submitter. Criteria: Natera Variant Classification Schema (03/2026). Collection method: clinical testing. Allele origin: germline.
Comment: The c.387+1G>A variant in ACADM is a canonical splice donor site variant predicted to affect pre-mRNA splicing, which may result in an abnormal transcript and altered protein product. This variant is expected to result in nonsense mediated decay, truncation, or a dysfunctional protein product. This variant is rare in the general population with a frequency below the threshold expected for the associated phenotype(s). This variant has been observed in one or more individuals affected with the associated recessive disease, as either homozygous or compound heterozygous with a second variant (PMID: 25940036). Given the available evidence, this variant is classified as Pathogenic.

Myriad Genetics, Inc.
Classification: Pathogenic for Medium-chain acyl-coenzyme A dehydrogenase deficiency. Last evaluated: 2025-08-14. Review status: criteria provided, single submitter. Criteria: Myriad Autosomal Dominant, Autosomal Recessive and X-Linked Classification Criteria (2023). Collection method: clinical testing. Allele origin: unknown.
Comment: NM_000016.4(ACADM):c.387+1G>A is a variant in a canonical splice site classified as pathogenic in the context of medium-chain acyl-CoA dehydrogenase deficiency. c.387+1G>A has been observed in cases with relevant disease (PMID: 25940036, 11349232). Relevant functional assessments of this variant are not available in the literature. c.387+1G>A has not been observed in referenced population frequency databases. In summary, NM_000016.4(ACADM):c.387+1G>A is a variant in a canonical splice site in a gene where loss of function is a known mechanism of disease, is predicted to disrupt protein function, and has been observed more frequently in cases with the relevant disease than in healthy populations. Please note: this variant was assessed in the context of healthy population screening.

Women's Health and Genetics/Laboratory Corporation of America, LabCorp
Classification: Pathogenic for Medium-chain acyl-coenzyme A dehydrogenase deficiency. Last evaluated: 2020-06-18. Review status: criteria provided, single submitter. Criteria: LabCorp Variant Classification Summary - May 2015. Collection method: clinical testing. Allele origin: germline.
Comment: Variant summary: ACADM c.387+1G>A is located in a canonical splice-site and is predicted to affect mRNA splicing resulting in a significantly altered protein due to either exon skipping, shortening, or inclusion of intronic material. Several computational tools predict a significant impact on normal splicing: Four predict the variant abolishes a 5' splicing donor site. However, these predictions have yet to be confirmed by functional studies. The variant was absent in 251394 control chromosomes. c.387+1G>A has been reported in the literature in newborns affected with Medium Chain Acyl-CoA Dehydrogenase Deficiency (example, Andersen_2001, Arnold_2010, Yusupov_2010, Gramer_2015). These data indicate that the variant may be associated with disease. To our knowledge, no experimental evidence demonstrating an impact on protein function has been reported. Two clinical diagnostic laboratories have submitted clinical-significance assessments for this variant to ClinVar after 2014 without evidence for independent evaluation. All laboratories classified the variant as pathogenic. Based on the evidence outlined above, the variant was classified as pathogenic.

Quest Diagnostics Nichols Institute San Juan Capistrano
Classification: Pathogenic. Last evaluated: 2019-06-21. Review status: criteria provided, single submitter. Criteria: Quest Diagnostics criteria. Collection method: clinical testing. Allele origin: germline.
Comment: The variant disrupts a canonical splice site, and is therefore predicted to result in the loss of a functional protein. Found in at least one symptomatic patient, and not found in general population data. The gain of a new splice site is predicted. Nucleotide conservation is uninformative. Occurs in multiple cases with a recessive pathogenic variant in the same gene.

Counsyl
Classification: Pathogenic for Medium-chain acyl-coenzyme A dehydrogenase deficiency. Last evaluated: 2016-10-12. Review status: no assertion criteria provided. Collection method: clinical testing. Allele origin: unknown. Not counted in ClinVar's aggregate classification.

Literature cited by the submitters: PubMed 25940036 (cited by 5 submitters); PubMed 11349232 (cited by 4 submitters); PubMed 20036593 (cited by Women's Health and Genetics/Laboratory Corporation of America, LabCorp); PubMed 20580581 (cited by Women's Health and Genetics/Laboratory Corporation of America, LabCorp).